The following is an entry in ClinVar:

NM_005334.3(HCFC1):c.3489G>A (p.Lys1163=)

Gene: HCFC1 (host cell factor C1; minus strand). Cytogenetic location: Xq28.
Variant type: single nucleotide variant.
Coding change: c.3489G>A on transcript NM_005334.3 (MANE Select); coding-DNA position 3489, G replaced by A.
Protein change: p.Lys1163=; no amino-acid change (lysine 1163 retained).
Molecular consequence: synonymous variant.
Genome position (GRCh38, 1-based): chrX:153,954,910, C>T on the plus strand (G>A on the coding strand, the complement: HCFC1 is on the minus strand). VCF-style: chrX-153954910-C-T. GRCh37 (hg19) VCF-style: chrX-153220361-C-T.
Other names: c.3489G>A, p.Lys1163= (NM_001410705.1).
Identifiers: ClinVar variation 2634672 (VCV002634672.4), dbSNP rs2521554733, ClinGen allele CA519702216.

ClinVar aggregate classification (germline): Conflicting classifications of pathogenicity. Review status: criteria provided, conflicting classifications (1 of 4 stars). 2 submissions from 2 submitters: Uncertain significance (1); Likely benign (1). Last evaluated 2023-09-10.

Conditions:
Methylmalonic acidemia with homocystinuria, type cblX (MAHCX). Also called: INTELLECTUAL DEVELOPMENTAL DISORDER, X-LINKED 3. Identifiers: Orphanet 369962, MedGen C0796208, MONDO:0010657, OMIM 309541.
HCFC1-related disorder. Also called: HCFC1-related condition.

Submissions (2):

Labcorp Genetics (formerly Invitae), Labcorp
Classification: Likely benign for Methylmalonic acidemia with homocystinuria, type cblX. Last evaluated: 2023-09-10. Review status: criteria provided, single submitter. Criteria: Invitae Variant Classification Sherloc (09022015). Collection method: clinical testing. Allele origin: germline.

PreventionGenetics, part of Exact Sciences
Classification: Uncertain significance for HCFC1-related condition. Last evaluated: 2023-03-15. Review status: criteria provided, single submitter. Criteria: ACMG Guidelines, 2015. Collection method: clinical testing. Allele origin: germline.
Comment: The HCFC1 c.3489G>A variant is not predicted to result in an amino acid change (p.=). This variant is predicted to alter splicing based on available splicing prediction programs (Alamut Visual Plus v1.6.1). To our knowledge, this variant has not been reported in the literature or in a large population database, indicating this variant is rare. At this time, the clinical significance of this variant is uncertain due to the absence of conclusive functional and genetic evidence.